The following is an entry in ClinVar:

NM_152309.3(PIK3AP1):c.1190C>T (p.Thr397Met)

Gene: PIK3AP1 (phosphoinositide-3-kinase adaptor protein 1; minus strand). Cytogenetic location: 10q24.1.
Variant type: single nucleotide variant.
Coding change: c.1190C>T on transcript NM_152309.3 (MANE Select); coding-DNA position 1190, C replaced by T.
Protein change: p.Thr397Met; replaces threonine 397 with methionine.
Molecular consequence: missense variant.
Genome position (GRCh38, 1-based): chr10:96,645,658, G>A on the plus strand (C>T on the coding strand, the complement: PIK3AP1 is on the minus strand). VCF-style: chr10-96645658-G-A. GRCh37 (hg19) VCF-style: chr10-98405415-G-A.
Other names: short protein forms T397M.
Identifiers: ClinVar variation 2716176 (VCV002716176.3), dbSNP rs757339189, ClinGen allele CA5626337.

ClinVar aggregate classification (germline): Uncertain significance (1 of 4 stars; one submission).

Conditions:
Infantile spasms. Also called: Infantile spasm. Identifiers: MedGen C3887898, HP:0012469.

Allele frequency attached by ClinVar (database versions not stated): ExAC 0.00001; gnomAD 0.00001; gnomAD exomes 0.00001.
gnomAD v4.1: 12 of 1,587,484 alleles (0.00076%); highest among the groups gnomAD compares: South Asian, 0.0011%; no homozygotes.

Submission:

Labcorp Genetics (formerly Invitae), Labcorp
Classification: Uncertain significance for Infantile spasms. Last evaluated: 2024-10-24. Review status: criteria provided, single submitter. Criteria: Invitae Variant Classification Sherloc (09022015). Collection method: clinical testing. Allele origin: germline.
Comment: This sequence change replaces threonine, which is neutral and polar, with methionine, which is neutral and non-polar, at codon 397 of the PIK3AP1 protein (p.Thr397Met). This variant is present in population databases (rs757339189, gnomAD 0.004%). This variant has not been reported in the literature in individuals affected with PIK3AP1-related conditions. An algorithm developed to predict the effect of missense changes on protein structure and function (PolyPhen-2) suggests that this variant is likely to be disruptive. In summary, the available evidence is currently insufficient to determine the role of this variant in disease. Therefore, it has been classified as a Variant of Uncertain Significance.